The following is an entry in ClinVar:

ClinVar aggregate classification (germline): Conflicting classifications of pathogenicity. Review status: criteria provided, conflicting classifications (1 of 4 stars). 7 submissions from 7 submitters: Uncertain significance (6); Likely benign (1). Last evaluated 2025-03-22.

Conditions:
Hereditary cancer-predisposing syndrome. Also called: Neoplastic Syndromes, Hereditary; Hereditary neoplastic syndrome; Tumor predisposition; Hereditary Cancer Syndrome. Identifiers: Orphanet 140162, MedGen C0027672, MeSH D009386, MONDO:0015356.
Familial cancer of breast. Also called: hereditary breast carcinoma; Hereditary breast cancer; BREAST CANCER, FAMILIAL. Identifiers: Orphanet 227535, MedGen C0346153, MONDO:0016419, OMIM 114480. Disease mechanism: loss of function.
Ataxia-telangiectasia syndrome (AT). Also called: Ataxia telangiectasia (A-T); Cerebello-oculocutaneous telangiectasia; Immunodeficiency with ataxia telangiectasia; LOUIS-BAR SYNDROME; AT, COMPLEMENTATION GROUP C; ATAXIA-TELANGIECTASIA, FRESNO VARIANT. Identifiers: Orphanet 100, MedGen C0004135, MONDO:0008840, OMIM 208900.

Allele frequency attached by ClinVar (database versions not stated): TOPMed 0.00003; gnomAD 0.00006 and 0.00005.
gnomAD v4.1: 18 of 1,589,528 alleles (0.0011%); highest among the groups gnomAD compares: African/African-American, 0.015%; no homozygotes.

Submissions (8):

Labcorp Genetics (formerly Invitae), Labcorp
Classification: Uncertain significance for Ataxia-telangiectasia syndrome. Last evaluated: 2025-03-22. Review status: criteria provided, single submitter. Criteria: Invitae Variant Classification Sherloc (09022015). Collection method: clinical testing. Allele origin: germline.
Comment: This sequence change replaces lysine, which is basic and polar, with arginine, which is basic and polar, at codon 2148 of the ATM protein (p.Lys2148Arg). This variant is present in population databases (rs730881382, gnomAD 0.02%). This variant has not been reported in the literature in individuals affected with ATM-related conditions. ClinVar contains an entry for this variant (Variation ID: 231615). Invitae Evidence Modeling of protein sequence and biophysical properties (such as structural, functional, and spatial information, amino acid conservation, physicochemical variation, residue mobility, and thermodynamic stability) indicates that this missense variant is not expected to disrupt ATM protein function with a negative predictive value of 95%. In summary, the available evidence is currently insufficient to determine the role of this variant in disease. Therefore, it has been classified as a Variant of Uncertain Significance.

Quest Diagnostics Nichols Institute San Juan Capistrano
Classification: Uncertain significance. Last evaluated: 2024-07-11. Review status: criteria provided, single submitter. Criteria: Quest Diagnostics criteria. Collection method: clinical testing. Allele origin: unknown.

GeneDx
Classification: Uncertain significance. Last evaluated: 2024-05-28. Review status: criteria provided, single submitter. Criteria: GeneDx Variant Classification Process June 2021. Collection method: clinical testing. Allele origin: germline. Affected: yes.
Comment: In silico analysis indicates that this missense variant does not alter protein structure/function; Has not been previously published as pathogenic or benign to our knowledge; This variant is associated with the following publications: (PMID: 23532176)

KCCC/NGS Laboratory, Kuwait Cancer Control Center
Classification: Uncertain significance for Familial cancer of breast. Last evaluated: 2024-05-27. Review status: criteria provided, single submitter. Criteria: ACMG Guidelines, 2015. Collection method: clinical testing. Allele origin: germline. Inheritance: Autosomal dominant inheritance. Affected: yes. Observed: 1 heterozygote.
Comment: This sequence change replaces lysine, which is basic and polar, with arginine, which is basic and polar, at codon 2148 of the ATM protein (p.Lys2148Arg). This variant is present in population databases (rs730881382, gnomAD 0.02%). This variant has not been reported in the literature in individuals affected with ATM-related conditions. ClinVar contains an entry for this variant (Variation ID: 231615). In silico analysis supports that this missense variant does not alter protein structure/function. In summary, the available evidence is currently insufficient to determine the role of this variant in disease. Therefore, it has been classified as a Variant of Uncertain Significance.

Color Diagnostics, LLC DBA Color Health
Classification: Uncertain significance for Hereditary cancer-predisposing syndrome. Last evaluated: 2023-12-05. Review status: criteria provided, single submitter. Criteria: ACMG Guidelines, 2015. Collection method: clinical testing. Allele origin: germline.
Comment: This missense variant replaces lysine with arginine at codon 2148 of the ATM protein. Computational prediction suggests that this variant may not impact protein structure and function (internally defined REVEL score threshold <= 0.5, PMID: 27666373). To our knowledge, functional studies have not been reported for this variant. This variant has not been reported in individuals affected with ATM-related disorders in the literature. This variant has been identified in 6/280448 chromosomes in the general population by the Genome Aggregation Database (gnomAD). The available evidence is insufficient to determine the role of this variant in disease conclusively. Therefore, this variant is classified as a Variant of Uncertain Significance.

Ambry Genetics
Classification: Likely benign for Hereditary cancer-predisposing syndrome. Last evaluated: 2018-01-12. Review status: criteria provided, single submitter. Criteria: Ambry Variant Classification Scheme 2023. Collection method: clinical testing. Allele origin: germline.

Eurofins Ntd Llc (ga)
Classification: Uncertain significance. Last evaluated: 2015-06-17. Review status: criteria provided, single submitter. Criteria: EGL Classification Definitions 2015. Collection method: clinical testing. Allele origin: germline. Observed: 1 variant allele, 1 heterozygote.

Dr. Peter K. Rogan Lab, Western University
No classification provided (evidence only). Condition: Familial cancer of breast. Review status: no classification provided. Collection method: in vitro. Allele origin: not applicable. Functional consequence: retained intron. Not counted in ClinVar's aggregate classification.

NM_000051.4(ATM):c.6443A>G (p.Lys2148Arg)

Genes: ATM (ATM serine/threonine kinase; plus strand), C11orf65 (chromosome 11 open reading frame 65; minus strand). Cytogenetic location: 11q22.3.
Variant type: single nucleotide variant.
Coding change: c.6443A>G on transcript NM_000051.4 (MANE Select); coding-DNA position 6443, A replaced by G.
Protein change: p.Lys2148Arg; replaces lysine 2148 with arginine.
Molecular consequence: missense variant. On other transcripts: intron variant (2).
Genome position (GRCh38, 1-based): chr11:108,320,049, A>G. VCF-style: chr11-108320049-A-G. GRCh37 (hg19) VCF-style: chr11-108190776-A-G.
Other names: c.6443A>G, p.Lys2148Arg (NM_001351834.2); c.641-10978T>C (NM_001330368.2); c.*39-10978T>C (NM_001351110.2); short protein forms K2148R.
Identifiers: ClinVar variation 231615 (VCV000231615.28), dbSNP rs730881382, ClinGen allele CA6265935.